The following is an entry in ClinVar:

ClinVar aggregate classification (germline): Uncertain significance (1 of 4 stars; one submission).

Conditions:
Glycogen storage disease IXd (GSD9D). Also called: GSD IXd; Muscle Phosphorylase Kinase Deficiency. Identifiers: Orphanet 715, MedGen C1845151, MONDO:0010362, OMIM 300559.

gnomAD v4.1: 5 of 1,198,649 alleles (0.00042%); highest among the groups gnomAD compares: Non-Finnish European, 0.00057%; no homozygotes.

Submission:

Labcorp Genetics (formerly Invitae), Labcorp
Classification: Uncertain significance for Glycogen storage disease IXd. Last evaluated: 2024-08-13. Review status: criteria provided, single submitter. Criteria: Invitae Variant Classification Sherloc (09022015). Collection method: clinical testing. Allele origin: germline.
Comment: This sequence change replaces arginine, which is basic and polar, with glycine, which is neutral and non-polar, at codon 514 of the PHKA1 protein (p.Arg514Gly). This variant is present in population databases (rs181530232, gnomAD 0.001%). This variant has not been reported in the literature in individuals affected with PHKA1-related conditions. Invitae Evidence Modeling of protein sequence and biophysical properties (such as structural, functional, and spatial information, amino acid conservation, physicochemical variation, residue mobility, and thermodynamic stability) indicates that this missense variant is not expected to disrupt PHKA1 protein function with a negative predictive value of 80%. In summary, the available evidence is currently insufficient to determine the role of this variant in disease. Therefore, it has been classified as a Variant of Uncertain Significance.

NM_002637.4(PHKA1):c.1540C>G (p.Arg514Gly)

Gene: PHKA1 (phosphorylase kinase regulatory subunit alpha 1; minus strand). Cytogenetic location: Xq13.1.
Variant type: single nucleotide variant.
Coding change: c.1540C>G on transcript NM_002637.4 (MANE Select); coding-DNA position 1540, C replaced by G.
Protein change: p.Arg514Gly; replaces arginine 514 with glycine.
Molecular consequence: missense variant.
Genome position (GRCh38, 1-based): chrX:72,636,306, G>C on the plus strand (C>G on the coding strand, the complement: PHKA1 is on the minus strand). VCF-style: chrX-72636306-G-C. GRCh37 (hg19) VCF-style: chrX-71856156-G-C.
Other names: c.1540C>G, p.Arg514Gly (NM_001122670.2, NM_001172436.2, NM_001431068.1); short protein forms R514G.
Identifiers: ClinVar variation 3695890 (VCV003695890.2).
Genomic context (GRCh38, chrX:72,636,306, plus strand): 5'-CTCAATGCACATTCCAGTTTATTTCACCCACCTGTGGAGTGAAAGTAAAGATAGTTTTCC[G>C]AATGTCATAGAGTTTTGAAGTTCCAAGCACTCCCATGTGTCTGTAGGGTCGTCCACTGAG-3'
Protein context (NP_002628.2, residues 504-524): VLGTSKLYDI[Arg514Gly]KTIFTFTPQF